The following is an entry in ClinVar:

NM_005751.5(AKAP9):c.8222C>T (p.Ala2741Val)

Gene: AKAP9 (A-kinase anchoring protein 9; plus strand). Cytogenetic location: 7q21.2.
Variant type: single nucleotide variant.
Coding change: c.8222C>T on transcript NM_005751.5 (MANE Select); coding-DNA position 8222, C replaced by T.
Protein change: p.Ala2741Val; replaces alanine 2741 with valine.
Molecular consequence: missense variant.
Genome position (GRCh38, 1-based): chr7:92,083,231, C>T. VCF-style: chr7-92083231-C-T. GRCh37 (hg19) VCF-style: chr7-91712545-C-T.
Other names: c.2867C>T, p.Ala956Val (NM_001379277.1); c.8198C>T, p.Ala2733Val (NM_147185.3); short protein forms A2733V, A2741V, A956V.
Identifiers: ClinVar variation 2881139 (VCV002881139.3), dbSNP rs2535257790, ClinGen allele CA368138203.

ClinVar aggregate classification (germline): Uncertain significance (1 of 4 stars; one submission).

Conditions:
Long QT syndrome (LQTS). Identifiers: MedGen C0023976, MeSH D008133, MONDO:0002442. Disease mechanism: loss of function. Inheritance: Various modes of inheritance.

Submission:

Labcorp Genetics (formerly Invitae), Labcorp
Classification: Uncertain significance for Long QT syndrome. Last evaluated: 2023-11-13. Review status: criteria provided, single submitter. Criteria: Invitae Variant Classification Sherloc (09022015). Collection method: clinical testing. Allele origin: germline.
Comment: This sequence change replaces alanine, which is neutral and non-polar, with valine, which is neutral and non-polar, at codon 2741 of the AKAP9 protein (p.Ala2741Val). This variant is not present in population databases (gnomAD no frequency). This variant has not been reported in the literature in individuals affected with AKAP9-related conditions. An algorithm developed to predict the effect of missense changes on protein structure and function (PolyPhen-2) suggests that this variant is likely to be tolerated. In summary, the available evidence is currently insufficient to determine the role of this variant in disease. Therefore, it has been classified as a Variant of Uncertain Significance.